The following is an entry in ClinVar:

NM_001130987.2(DYSF):c.3842del (p.Gly1281fs)

Gene: DYSF (dysferlin; plus strand). Cytogenetic location: 2p13.2.
Variant type: Deletion.
Coding change: c.3842del on transcript NM_001130987.2 (MANE Select); coding-DNA position 3842, one base deleted (G; older notation c.3842delG).
Protein change: p.Gly1281fs; shifts the reading frame from glycine 1281.
Molecular consequence: frameshift variant.
Genome position (GRCh38, 1-based): chr2:71,600,787, G deleted; the last of 4 consecutive G bases (chr2:71,600,784-71,600,787); deleting any one gives the same sequence. VCF-style (leftmost placement, unchanged base first): chr2-71600783-AG-A. GRCh37 (hg19) VCF-style: chr2-71827913-AG-A.
Other names: c.3791del, p.Gly1264fs (NM_001130455.2, NM_001130983.2); c.3746del, p.Gly1249fs (NM_001130976.2, NM_001130977.2); c.3788del, p.Gly1263fs (NM_001130978.2, NM_003494.4); c.3881del, p.Gly1294fs (NM_001130979.2); c.3839del, p.Gly1280fs (NM_001130980.2, NM_001130981.2); c.3884del, p.Gly1295fs (NM_001130982.2); c.3749del, p.Gly1250fs (NM_001130984.2, NM_001130986.2); c.3842del, p.Gly1281fs (NM_001130985.2); short protein forms G1294fs, G1295fs, G1249fs, G1250fs, G1263fs, G1281fs, G1264fs, G1280fs.
Identifiers: ClinVar variation 1444130 (VCV001444130.8), dbSNP rs2093531358, ClinGen allele CA2573135725.

ClinVar aggregate classification (germline): Pathogenic (1 of 4 stars; one submission).

Conditions:
Neuromuscular disease caused by qualitative or quantitative defects of dysferlin. Also called: Qualitative or quantitative defects of dysferlin; Dysferlinopathy. Identifiers: Orphanet 207073, MedGen C2931687, MONDO:0016145.

Submission:

Labcorp Genetics (formerly Invitae), Labcorp
Classification: Pathogenic for Neuromuscular disease caused by qualitative or quantitative defects of dysferlin. Last evaluated: 2021-02-21. Review status: criteria provided, single submitter. Criteria: Invitae Variant Classification Sherloc (09022015). Collection method: clinical testing. Allele origin: germline.
Comment: This sequence change creates a premature translational stop signal (p.Gly1263Alafs*82) in the DYSF gene. It is expected to result in an absent or disrupted protein product. Loss-of-function variants in DYSF are known to be pathogenic (PMID: 17698709, 20301480). This variant is not present in population databases (ExAC no frequency). This variant has been observed in individual(s) with Miyoshi myopathy (PMID: 12796534, 11532985, 27647186). This variant is also known as c.3746delG. For these reasons, this variant has been classified as Pathogenic.

Literature cited by the submitters: PubMed 17698709; PubMed 20301480; PubMed 12796534; PubMed 11532985; PubMed 27647186.